The following is an entry in ClinVar:

ClinVar aggregate classification (germline): Uncertain significance (1 of 4 stars; one submission).

Submission:

GeneDx
Classification: Uncertain significance. Last evaluated: 2024-05-08. Review status: criteria provided, single submitter. Criteria: GeneDx Variant Classification Process June 2021. Collection method: clinical testing. Allele origin: germline. Affected: yes.
Comment: Not observed at significant frequency in large population cohorts (gnomAD); In silico analysis indicates that this missense variant does not alter protein structure/function; Has not been previously published as pathogenic or benign to our knowledge

NM_001567.4(INPPL1):c.1577G>T (p.Ser526Ile)

Gene: INPPL1 (inositol polyphosphate phosphatase like 1; plus strand). Cytogenetic location: 11q13.4.
Variant type: single nucleotide variant.
Coding change: c.1577G>T on transcript NM_001567.4 (MANE Select); coding-DNA position 1577, G replaced by T.
Protein change: p.Ser526Ile; replaces serine 526 with isoleucine.
Molecular consequence: missense variant.
Genome position (GRCh38, 1-based): chr11:72,231,577, G>T. VCF-style: chr11-72231577-G-T. GRCh37 (hg19) VCF-style: chr11-71942621-G-T.
Other names: short protein forms S526I.
Identifiers: ClinVar variation 3378174 (VCV003378174.1).